The following is an entry in ClinVar:

NM_001377458.1(CLCC1):c.912C>G (p.Phe304Leu)

Gene: CLCC1 (chloride channel CLIC like 1; minus strand). Cytogenetic location: 1p13.3.
Variant type: single nucleotide variant.
Coding change: c.912C>G on transcript NM_001377458.1 (MANE Select); coding-DNA position 912, C replaced by G.
Protein change: p.Phe304Leu; replaces phenylalanine 304 with leucine.
Molecular consequence: missense variant. On other transcripts: non-coding transcript variant (1).
Genome position (GRCh38, 1-based): chr1:108,939,765, G>C on the plus strand (C>G on the coding strand, the complement: CLCC1 is on the minus strand). VCF-style: chr1-108939765-G-C. GRCh37 (hg19) VCF-style: chr1-109482387-G-C.
Other names: c.912C>G, p.Phe304Leu (NM_001048210.3, NM_001377459.1, NM_001377460.1 and 8 more transcripts); c.549C>G, p.Phe183Leu (NM_001278202.2); c.357C>G, p.Phe119Leu (NM_001278203.1); c.810C>G, p.Phe270Leu (NM_001377469.1); c.621C>G, p.Phe207Leu (NM_001377470.1); c.762C>G, p.Phe254Leu (NM_015127.5); short protein forms F119L, F183L, F207L, F254L, F270L, F304L.
Identifiers: ClinVar variation 1061067 (VCV001061067.9), dbSNP rs762560632, ClinGen allele CA983463.
Genomic context (GRCh38, chr1:108,939,765, plus strand): 5'-TTTAATAAATTCCCCAGTTCCTTTTCCAATATGCTTCAATGGCTCCGTTACAAATGTGGT[G>C]AATGTAACTGCAAGTGCCTAAAACGAGAGAAAAGCAACTTAATTTTCTCCTCACAGGACT-3'
Protein context (NP_001364387.1, residues 294-314): VPPTKALAVT[Phe304Leu]TTFVTEPLKH

ClinVar aggregate classification (germline): Uncertain significance (1 of 4 stars; one submission).

Allele frequency attached by ClinVar (database versions not stated): gnomAD exomes below 0.00001; ExAC 0.00001.

Submission:

Labcorp Genetics (formerly Invitae), Labcorp
Classification: Uncertain significance. Last evaluated: 2020-09-04. Review status: criteria provided, single submitter. Criteria: Invitae Variant Classification Sherloc (09022015). Collection method: clinical testing. Allele origin: germline.
Comment: In summary, the available evidence is currently insufficient to determine the role of this variant in disease. Therefore, it has been classified as a Variant of Uncertain Significance. Algorithms developed to predict the effect of missense changes on protein structure and function (SIFT, PolyPhen-2, Align-GVGD) all suggest that this variant is likely to be tolerated, but these predictions have not been confirmed by published functional studies and their clinical significance is uncertain. This variant has not been reported in the literature in individuals with CLCC1-related conditions. This variant is present in population databases (rs762560632, ExAC 0.006%). This sequence change replaces phenylalanine with leucine at codon 304 of the CLCC1 protein (p.Phe304Leu). The phenylalanine residue is highly conserved and there is a small physicochemical difference between phenylalanine and leucine.